The following is an entry in ClinVar:

ClinVar aggregate classification (germline): Uncertain significance (1 of 4 stars; one submission).

Allele frequency attached by ClinVar (database versions not stated): gnomAD exomes below 0.00001; TOPMed below 0.00001; ExAC 0.00001; gnomAD 0.00001.
gnomAD v4.1: 10 of 1,613,908 alleles (0.00062%); highest among the groups gnomAD compares: South Asian, 0.0011%; no homozygotes.

Submission:

Labcorp Genetics (formerly Invitae), Labcorp
Classification: Uncertain significance. Last evaluated: 2024-10-25. Review status: criteria provided, single submitter. Criteria: Invitae Variant Classification Sherloc (09022015). Collection method: clinical testing. Allele origin: germline.
Comment: This sequence change replaces aspartic acid, which is acidic and polar, with glycine, which is neutral and non-polar, at codon 75 of the IFT27 protein (p.Asp75Gly). This variant is present in population databases (rs202105304, gnomAD 0.002%). This variant has not been reported in the literature in individuals affected with IFT27-related conditions. ClinVar contains an entry for this variant (Variation ID: 1915709). Invitae Evidence Modeling of protein sequence and biophysical properties (such as structural, functional, and spatial information, amino acid conservation, physicochemical variation, residue mobility, and thermodynamic stability) indicates that this missense variant is expected to disrupt IFT27 protein function with a positive predictive value of 95%. Algorithms developed to predict the effect of sequence changes on RNA splicing suggest that this variant may disrupt the consensus splice site. In summary, the available evidence is currently insufficient to determine the role of this variant in disease. Therefore, it has been classified as a Variant of Uncertain Significance.

NM_001177701.3(IFT27):c.227A>G (p.Asp76Gly)

Genes: CACNG2-DT (CACNG2 divergent transcript; plus strand), IFT27 (intraflagellar transport 27; minus strand), LOC126863139 (CDK7 strongly-dependent group 2 enhancer GRCh37_chr22:37161913-37163112; plus strand). Cytogenetic location: 22q12.3.
Variant type: single nucleotide variant.
Coding change: c.227A>G on transcript NM_001177701.3 (MANE Select); coding-DNA position 227, A replaced by G.
Protein change: p.Asp76Gly; replaces aspartic acid 76 with glycine.
Molecular consequence: missense variant.
Genome position (GRCh38, 1-based): chr22:36,766,145, T>C on the plus strand (A>G on the coding strand, the complement: IFT27 is on the minus strand). VCF-style: chr22-36766145-T-C. GRCh37 (hg19) VCF-style: chr22-37162189-T-C.
Other names: c.227A>G, p.Asp76Gly (NM_001363003.2); c.224A>G, p.Asp75Gly (NM_006860.5); short protein forms D75G, D76G.
Identifiers: ClinVar variation 1915709 (VCV001915709.5), dbSNP rs202105304, ClinGen allele CA10212450.